The following is an entry in ClinVar:

ClinVar aggregate classification (germline): Likely benign (1 of 4 stars; one submission).

gnomAD v4.1: 24 of 1,612,800 alleles (0.0015%); highest among the groups gnomAD compares: Admixed American, 0.038%; no homozygotes.

Submission:

CeGaT Center for Human Genetics Tuebingen
Classification: Likely benign. Last evaluated: 2025-06-01. Review status: criteria provided, single submitter. Criteria: CeGaT Center For Human Genetics Tuebingen Variant Classification Criteria Version 2. Collection method: clinical testing. Allele origin: germline. Affected: yes. Observed: 1 variant allele.
Comment: POLR3K: BP4, BP7

NM_016310.5(POLR3K):c.87C>T (p.Pro29=)

Gene: POLR3K (RNA polymerase III subunit K; minus strand). Cytogenetic location: 16p13.3.
Variant type: single nucleotide variant.
Coding change: c.87C>T on transcript NM_016310.5 (MANE Select); coding-DNA position 87, C replaced by T.
Protein change: p.Pro29=; no amino-acid change (proline 29 retained).
Molecular consequence: synonymous variant.
Genome position (GRCh38, 1-based): chr16:53,500, G>A on the plus strand (C>T on the coding strand, the complement: POLR3K is on the minus strand). VCF-style: chr16-53500-G-A. GRCh37 (hg19) VCF-style: chr16-103500-G-A.
Identifiers: ClinVar variation 3905205 (VCV003905205.10).
Genomic context (GRCh38, chr16:53,500, plus strand): 5'-AGTCGCCCGCGCCCAGCGCCGGCCTTCGGGTCCCACCTTGCGGGTGATGTTGTGCACGTA[G>A]GGGCACGTGTTGCAGGCGAAGCGGTGGCAGCGTTGTCCCTCCTCCACGATCAGCCCGTTC-3'
Protein context (NP_057394.3, residues 19-39): RCHRFACNTC[Pro29=]YVHNITRKVT